The following is an entry in ClinVar:

NM_000059.4(BRCA2):c.7114T>G (p.Ser2372Ala)

Gene: BRCA2 (BRCA2 DNA repair associated; plus strand). Cytogenetic location: 13q13.1.
Variant type: single nucleotide variant.
Coding change: c.7114T>G on transcript NM_000059.4 (MANE Select); coding-DNA position 7114, T replaced by G.
Protein change: p.Ser2372Ala; replaces serine 2372 with alanine.
Molecular consequence: missense variant.
Genome position (GRCh38, 1-based): chr13:32,354,967, T>G. VCF-style: chr13-32354967-T-G. GRCh37 (hg19) VCF-style: chr13-32929104-T-G.
Other names: short protein forms S2372A.
Identifiers: ClinVar variation 1412373 (VCV001412373.8), dbSNP rs1199109224, ClinGen allele CA387738647.

ClinVar aggregate classification (germline): Uncertain significance (1 of 4 stars; one submission).

Conditions:
Hereditary breast ovarian cancer syndrome. Also called: Hereditary breast and ovarian cancer syndrome (HBOC); Breast and ovarian cancer; Hereditary breast and ovarian cancer syndrome; Hereditary breast and/or ovarian cancer syndrome; Hereditary breast and ovarian cancer; BRCA1- and BRCA2-Associated Hereditary Breast and Ovarian Cancer. Identifiers: Orphanet 145, MedGen C0677776, MeSH D061325, MONDO:0003582. Disease mechanism: loss of function.

gnomAD v4.1: 1 of 1,613,580 alleles (0.000062%); highest among the groups gnomAD compares: Non-Finnish European, 0.000085%; no homozygotes.

Submission:

Labcorp Genetics (formerly Invitae), Labcorp
Classification: Uncertain significance for Hereditary breast ovarian cancer syndrome. Last evaluated: 2020-11-20. Review status: criteria provided, single submitter. Criteria: Invitae Variant Classification Sherloc (09022015). Collection method: clinical testing. Allele origin: germline.
Comment: This sequence change replaces serine with alanine at codon 2372 of the BRCA2 protein (p.Ser2372Ala). The serine residue is moderately conserved and there is a moderate physicochemical difference between serine and alanine. This variant is not present in population databases (ExAC no frequency). This variant has not been reported in the literature in individuals with BRCA2-related conditions. Advanced modeling of protein sequence and biophysical properties (such as structural, functional, and spatial information, amino acid conservation, physicochemical variation, residue mobility, and thermodynamic stability) performed at Invitae indicates that this missense variant is not expected to disrupt BRCA2 protein function. In summary, the available evidence is currently insufficient to determine the role of this variant in disease. Therefore, it has been classified as a Variant of Uncertain Significance.